The following is an entry in ClinVar:

NM_001059.3(TACR3):c.534C>T (p.Ala178=)

Gene: TACR3 (tachykinin receptor 3; minus strand). Cytogenetic location: 4q24.
Variant type: single nucleotide variant.
Coding change: c.534C>T on transcript NM_001059.3 (MANE Select); coding-DNA position 534, C replaced by T.
Protein change: p.Ala178=; no amino-acid change (alanine 178 retained).
Molecular consequence: synonymous variant.
Genome position (GRCh38, 1-based): chr4:103,719,142, G>A on the plus strand (C>T on the coding strand, the complement: TACR3 is on the minus strand). VCF-style: chr4-103719142-G-A. GRCh37 (hg19) VCF-style: chr4-104640299-G-A.
Identifiers: ClinVar variation 384355 (VCV000384355.1), dbSNP rs747474756, ClinGen allele CA3031110.

ClinVar aggregate classification (germline): Likely benign (1 of 4 stars; one submission).

Allele frequency attached by ClinVar (database versions not stated): gnomAD 0.00001; gnomAD exomes 0.00001 and 0.00009; TOPMed 0.00001; ExAC 0.00008.
gnomAD v4.1: 22 of 1,613,988 alleles (0.0014%); highest among the groups gnomAD compares: East Asian, 0.049%; no homozygotes.

Submission:

GeneDx
Classification: Likely benign. Last evaluated: 2016-02-29. Review status: criteria provided, single submitter. Criteria: GeneDx Variant Classification (06012015). Collection method: clinical testing. Allele origin: germline. Affected: yes.
Comment: This variant is considered likely benign or benign based on one or more of the following criteria: it is a conservative change, it occurs at a poorly conserved position in the protein, it is predicted to be benign by multiple in silico algorithms, and/or has population frequency not consistent with disease.